The following is an entry in ClinVar:

NM_002905.5(RDH5):c.797G>A (p.Arg266Gln)

Genes: BLOC1S1-RDH5 (BLOC1S1-RDH5 readthrough; plus strand), CD63 (CD63 molecule; minus strand), RDH5 (retinol dehydrogenase 5; plus strand). Cytogenetic location: 12q13.2.
Variant type: single nucleotide variant.
Coding change: c.797G>A on transcript NM_002905.5 (MANE Select); coding-DNA position 797, G replaced by A.
Protein change: p.Arg266Gln; replaces arginine 266 with glutamine.
Molecular consequence: missense variant. On other transcripts: non-coding transcript variant (1).
Genome position (GRCh38, 1-based): chr12:55,724,385, G>A. VCF-style: chr12-55724385-G-A. GRCh37 (hg19) VCF-style: chr12-56118169-G-A.
Other names: c.797G>A, p.Arg266Gln (NM_001199771.3); short protein forms R266Q.
Identifiers: ClinVar variation 1421368 (VCV001421368.6), dbSNP rs368653792, ClinGen allele CA6616962.
Genomic context (GRCh38, chr12:55,724,385, plus strand): 5'-TGAAAATGCAACAGCGCATCATGAACCTGATCTGTGACCCGGACCTAACCAAGGTGAGCC[G>A]ATGCCTGGAGCATGCCCTGACTGCTCGACACCCCCGAACCCGCTACAGCCCAGGTTGGGA-3'
Protein context (NP_002896.2, residues 256-276): ICDPDLTKVS[Arg266Gln]CLEHALTARH

ClinVar aggregate classification (germline): Uncertain significance (1 of 4 stars; one submission).

Allele frequency attached by ClinVar (database versions not stated): gnomAD exomes 0.00001.
gnomAD v4.1: 12 of 1,614,186 alleles (0.00074%); highest among the groups gnomAD compares: South Asian, 0.0033%; no homozygotes.

Submission:

Labcorp Genetics (formerly Invitae), Labcorp
Classification: Uncertain significance. Last evaluated: 2025-10-20. Review status: criteria provided, single submitter. Criteria: Invitae Variant Classification Sherloc (09022015). Collection method: clinical testing. Allele origin: germline.
Comment: This sequence change replaces arginine, which is basic and polar, with glutamine, which is neutral and polar, at codon 266 of the RDH5 protein (p.Arg266Gln). This variant is present in population databases (rs368653792, gnomAD 0.006%). This variant has not been reported in the literature in individuals affected with RDH5-related conditions. ClinVar contains an entry for this variant (Variation ID: 1421368). Invitae Evidence Modeling of protein sequence and biophysical properties (such as structural, functional, and spatial information, amino acid conservation, physicochemical variation, residue mobility, and thermodynamic stability) indicates that this missense variant is not expected to disrupt RDH5 protein function with a negative predictive value of 80%. In summary, the available evidence is currently insufficient to determine the role of this variant in disease. Therefore, it has been classified as a Variant of Uncertain Significance.